The following is an entry in ClinVar:

NC_012920.1(MT-CO1):m.6393T>C

Gene: MT-CO1 (mitochondrially encoded cytochrome c oxidase I; plus strand).
Variant type: single nucleotide variant.
Genome position: chrM-6393-T-C.
Identifiers: ClinVar variation 692647 (VCV000692647.1), dbSNP rs879212050, ClinGen allele CA337097392.

ClinVar aggregate classification (germline): Uncertain significance (1 of 4 stars; one submission).

Conditions:
Leigh syndrome (NULS). Also called: Leigh's necrotizing encephalopathy; Leigh's disease; Leigh Syndrome (mtDNA deletion); Leigh Disease; Subacute necrotizing encephalopathy; Necrotizing encephalopathy infantile subacute of Leigh. Identifiers: Orphanet 506, MedGen C2931891, MONDO:0009723, OMIM 256000.

Submission:

Wong Mito Lab, Molecular and Human Genetics, Baylor College of Medicine
Classification: Uncertain significance for Leigh syndrome. Last evaluated: 2019-10-17. Review status: criteria provided, single submitter. Criteria: Modified ACMG Guidelines (Unpublished). Collection method: clinical testing. Allele origin: germline.
Comment: The NC_012920.1:m.6393T>C (YP_003024028.1:p.Phe164Leu) variant in MTCO1 gene is interpretated to be a Uncertain Significance variant based on the modified ACMG guidelines (unpublished). This variant meets the following evidence codes: PP3, PP7